The following continues an entry in ClinVar:

NM_004360.5(CDH1):c.2343A>T (p.Glu781Asp)

Gene: CDH1. ClinVar aggregate classification (germline): Likely benign. Likely benign (1).

Submissions 12 to 19 of 19:

Sema4
Classification: Uncertain significance for Hereditary cancer-predisposing syndrome. Last evaluated: 2021-11-18. Review status: criteria provided, single submitter. Criteria: Sema4 Curation Guidelines. Collection method: curation. Allele origin: germline. Not counted in ClinVar's aggregate classification.
Comment: The CDH1 c.2343A>T (p.E781D) variant has been reported in heterozygosity in at least two families with hereditary diffuse gastric and lobular breast cancer (PMID: 17545690, 30745422). This variant has also been reported in at least one individual with hereditary breast cancer and at least one individual with endometrial cancer (PMID: 33471991, 27443514). In vitro functional studies have offered conflicting results and these functional studies are not recognized by the ClinGen CDH1 expert panel as standard to assess pathogenicity (PMID: 30311375, 19268661, 25388006, 22850631, 17545690). This variant was observed in 4/282860 chromosomes in all populations according to the Genome Aggregation Database (PMID: 32461654). This variant has been reported in ClinVar (Variation ID: 127923). There is no indication that this variant causes disease, but the evidence is insufficient currently to prove that conclusively. Thus, the clinical significance of this variant is currently uncertain.

Institute for Clinical Genetics, University Hospital TU Dresden, University Hospital TU Dresden
Classification: Uncertain significance. Last evaluated: 2021-11-03. Review status: criteria provided, single submitter. Criteria: ACMG Guidelines, 2015. Collection method: clinical testing. Allele origin: germline. Not counted in ClinVar's aggregate classification.

Ambry Genetics
Classification: Likely benign for Hereditary cancer-predisposing syndrome. Last evaluated: 2021-04-14. Review status: criteria provided, single submitter. Criteria: Ambry Variant Classification Scheme 2023. Collection method: clinical testing. Allele origin: germline. Not counted in ClinVar's aggregate classification.

St. Jude Molecular Pathology, St. Jude Children's Research Hospital
Classification: Likely benign for Hereditary diffuse gastric adenocarcinoma. Last evaluated: 2020-09-09. Review status: criteria provided, single submitter. Criteria: St. Jude Assertion Criteria 2020. Collection method: clinical testing. Allele origin: germline. Not counted in ClinVar's aggregate classification.
Comment: The c.2343A>T (p.Glu781Asp) missense variant has a frequency of 0.00001 (4 of 282,860 alleles) in gnomAD, with a maximum allele frequency of 0.00004 (1 of 24,970) in the African subpopulation. Data submitted to the ClinGen CDH1 variant curation expert panel indicates that this variant has been observed in greater than or equal to 100 individuals without a diagnosis of diffuse gastric cancer, signet ring cell tumors or lobular breast cancer and whose families do not suggest hereditary diffuse gastric cancer (BS2; SCV000149761.14, SCV000185618.5, SCV000288464.7). Five of seven in silico tools predict a benign effect of this variant on protein function. Functional assays have indicated mixed effects of this variant on cellular processes. This variant has been suggested to result in a reduction of binding with p120-catenin and reduced expression of E-cadherin protein encoded by CDH1 (PMIDs: 25388006, 22850631). An in vitro motility assay concluded that the E781D mutant functioned similar to a wild-type control (PMID: 19268661). As the CDH1 variant curation expert panel only approves the use of assays that measure abnormal splicing of the CDH1 gene, functional data was not applied as evidence of pathogenicity (PMID: 30311375). In summary, this variant meets criteria to be classified as likely benign based on the ACMG/AMP criteria, as specified by the CDH1 Variant Curation Expert Panel (Variant Interpretation Guidelines Version 2): BS2.

GeneDx
Classification: Uncertain significance. Last evaluated: 2020-07-29. Review status: criteria provided, single submitter. Criteria: GeneDx Variant Classification Process June 2021. Collection method: clinical testing. Allele origin: germline. Affected: yes. Not counted in ClinVar's aggregate classification.
Comment: Not observed at a significant frequency in large population cohorts (Lek et al., 2016); In silico analysis, which includes protein predictors and evolutionary conservation, supports that this variant does not alter protein structure/function; Published functional studies are conflicting; however, the ClinGen CDH1 expert group has recommended that functional studies assessing protein function not be used in CDH1 missense variant classification as they cannot confidently be used to predict pathogenicity (Kaurah 2007, Figueiredo 2013, Sanches 2014, Lee 2018); Observed in individuals with a personal or family history of gastric cancer in the literature but also in multiple individuals referred for genetic testing at GeneDx and other clinical laboratories whose clinical histories are not suggestive of hereditary diffuse gastric cancer (Kaurah 2007, Benusiglio 2013, Reuter 2018, ClinVar SCV000288464, ClinVar SCV000185618); This variant is associated with the following publications: (PMID: 19268661, 22850631, 19725995, 21271559, 26182300, 23709761, 17545690, 25388006, 22098830, 26022348, 27443514, 28301460, 29431110, 30374176)

PreventionGenetics, part of Exact Sciences
Classification: Likely benign for CDH1-related condition. Last evaluated: 2024-08-07. Review status: no assertion criteria provided. Collection method: clinical testing. Allele origin: germline. Not counted in ClinVar's aggregate classification.
Comment: This variant is classified as likely benign based on ACMG/AMP sequence variant interpretation guidelines (Richards et al. 2015 PMID: 25741868, with internal and published modifications).

University of Washington Department of Laboratory Medicine, University of Washington
Classification: Likely benign for Hereditary diffuse gastric cancer. Last evaluated: 2019-06-10. Review status: no assertion criteria provided. Collection method: research. Allele origin: paternal. Affected: yes. Not counted in ClinVar's aggregate classification.
Comment: Computer software programs predict that this variant does not impact protein function. This variant has been detected in 3 individuals with lobular breast cancer out of 15 individuals seen at other laboratories. This lobular breast cancer frequency is not different than the expected frequency for individuals seeking hereditary cancer testing (communication with other laboratories). To date, it has not been reported in individuals with gastric cancer. Cosegregation analysis of one family showed a likelihood ratio of 0.711 (using the Thompson et al. cosegregation method [PMID 12900794] with calculator). Bayesian analysis integrating all of this data (PMID: 29300386) gives approximately 4% probability of pathogenicity, which is consistent with a classification of likely benign. This variant is not predicted to alter CDH1 function or modify cancer risk. A modest (less than 2 fold) increase in cancer risk due to this variant cannot be entirely excluded. This analysis was performed in conjunction with the family studies as part of the University of Washington Find My Variant study.

Counsyl
Classification: Uncertain significance for Hereditary diffuse gastric adenocarcinoma. Last evaluated: 2016-10-21. Review status: no assertion criteria provided. Collection method: clinical testing. Allele origin: unknown. Not counted in ClinVar's aggregate classification.

Literature cited by the submitters: PubMed 17545690 (cited by 5 submitters); PubMed 22225527 (cited by Women's Health and Genetics/Laboratory Corporation of America, LabCorp and Quest Diagnostics Nichols Institute San Juan Capistrano); PubMed 19268661 (cited by 5 submitters); PubMed 26182300 (cited by Women's Health and Genetics/Laboratory Corporation of America, LabCorp and Quest Diagnostics Nichols Institute San Juan Capistrano); PubMed 27443514 (cited by 5 submitters); PubMed 21271559 (cited by 3 submitters); PubMed 28301460 (cited by Women's Health and Genetics/Laboratory Corporation of America, LabCorp and Quest Diagnostics Nichols Institute San Juan Capistrano); PubMed 25388006 (cited by 5 submitters); PubMed 22850631 (cited by 5 submitters); PubMed 30311375 (cited by Women's Health and Genetics/Laboratory Corporation of America, LabCorp and Sema4); PubMed 30374176 (cited by 3 submitters); PubMed 23709761 (cited by 4 submitters); PubMed 29431110 (cited by 3 submitters); PubMed 30745422 (cited by 4 submitters); PubMed 33471991 (cited by 4 submitters); PubMed 26022348 (cited by Quest Diagnostics Nichols Institute San Juan Capistrano and Department of Pathology and Laboratory Medicine, Sinai Health System); PubMed 36436516 (cited by Quest Diagnostics Nichols Institute San Juan Capistrano and European Reference Network on Genetic Tumour Risk Syndromes (ERN-GENTURIS), i3s - Instituto de Investigação e Inovação em Saúde, University of Porto); PubMed 34326862 (cited by Quest Diagnostics Nichols Institute San Juan Capistrano); PubMed 33809393 (cited by Quest Diagnostics Nichols Institute San Juan Capistrano); PubMed 31783775 (cited by Quest Diagnostics Nichols Institute San Juan Capistrano); PubMed 34267306 (cited by Quest Diagnostics Nichols Institute San Juan Capistrano); PubMed 32811340 (cited by Quest Diagnostics Nichols Institute San Juan Capistrano); PubMed 28688938 (cited by European Reference Network on Genetic Tumour Risk Syndromes (ERN-GENTURIS), i3s - Instituto de Investigação e Inovação em Saúde, University of Porto).